The following is an entry in ClinVar:

NM_001130987.2(DYSF):c.3679G>T (p.Glu1227Ter)

Gene: DYSF (dysferlin; plus strand). Cytogenetic location: 2p13.2.
Variant type: single nucleotide variant.
Coding change: c.3679G>T on transcript NM_001130987.2 (MANE Select); coding-DNA position 3679, G replaced by T.
Protein change: p.Glu1227Ter; replaces glutamic acid 1227 with a stop codon.
Molecular consequence: nonsense.
Genome position (GRCh38, 1-based): chr2:71,598,668, G>T. VCF-style: chr2-71598668-G-T. GRCh37 (hg19) VCF-style: chr2-71825798-G-T.
Other names: c.3583G>T, p.Glu1195Ter (NM_001130977.2, NM_001130976.2); c.3625G>T, p.Glu1209Ter (NM_001130978.2, NM_003494.4); c.3718G>T, p.Glu1240Ter (NM_001130979.2); c.3676G>T, p.Glu1226Ter (NM_001130980.2, NM_001130981.2); c.3721G>T, p.Glu1241Ter (NM_001130982.2); c.3628G>T, p.Glu1210Ter (NM_001130983.2, NM_001130455.2); c.3586G>T, p.Glu1196Ter (NM_001130984.2, NM_001130986.2); c.3679G>T, p.Glu1227Ter (NM_001130985.2); short protein forms E1195*, E1196*, E1209*, E1210*, E1226*, E1227*, E1240*, E1241*.
Identifiers: ClinVar variation 984121 (VCV000984121.4), dbSNP rs773773555, ClinGen allele CA347224121.

ClinVar aggregate classification (germline): Likely pathogenic (1 of 4 stars; one submission).

Conditions:
Autosomal recessive limb-girdle muscular dystrophy. Identifiers: Orphanet 102015, MedGen C2931907, MONDO:0015152.

Submission:

Myriad Genetics, Inc.
Classification: Likely pathogenic for Autosomal recessive limb-girdle muscular dystrophy. Last evaluated: 2019-12-26. Review status: criteria provided, single submitter. Criteria: Myriad Autosomal Dominant, Autosomal Recessive and X-Linked Classification Criteria (2023). Collection method: clinical testing. Allele origin: unknown.
Comment: NM_003494.3(DYSF):c.3625G>T(E1209*) is expected to be pathogenic in the context of dysferlinopathy. This variant is predicted to lead to an abnormal or absent protein product due to the creation of a premature termination codon in DYSF, a gene where loss-of-function variants are known to be pathogenic. Please note: this variant was assessed in the context of healthy population screening.